The following is an entry in ClinVar:

ClinVar aggregate classification (germline): Uncertain significance (1 of 4 stars; one submission).

Conditions:
Developmental and epileptic encephalopathy, 84. Also called: EPILEPTIC ENCEPHALOPATHY, EARLY IFANTILE, 84. Identifiers: MedGen C5394081, MONDO:0032918, OMIM 618792.

Submission:

Laboratorio de Genetica e Diagnostico Molecular, Hospital Israelita Albert Einstein
Classification: Uncertain significance for Developmental and epileptic encephalopathy, 84. Last evaluated: 2024-05-03. Review status: criteria provided, single submitter. Criteria: ACMG Guidelines, 2015. Collection method: clinical testing. Allele origin: germline. Affected: yes.
Comment: ACMG classification criteria: PM2 supporting, PP3 supporting

NM_003359.4(UGDH):c.264+5G>A

Gene: UGDH (UDP-glucose 6-dehydrogenase; minus strand). Cytogenetic location: 4p14.
Variant type: single nucleotide variant.
Coding change: c.264+5G>A on transcript NM_003359.4 (MANE Select); 5 bases into the intron after coding-DNA position 264, G replaced by A.
Molecular consequence: intron variant.
Genome position (GRCh38, 1-based): chr4:39,514,078, C>T on the plus strand (G>A on the coding strand, the complement: UGDH is on the minus strand). VCF-style: chr4-39514078-C-T. GRCh37 (hg19) VCF-style: chr4-39515698-C-T.
Other names: c.-28+5G>A (NM_001184701.2); c.264+5G>A (NM_001184700.2).
Identifiers: ClinVar variation 4076291 (VCV004076291.1).
Genomic context (GRCh38, chr4:39,514,078, plus strand): 5'-GTATGATGAAACTTTTATATAGACAAGAATACATTAAAATTCACACAACAAAGGAAAATA[C>T]TTACAGAAATAAATACAAGATCAGCTTCTTTGATGGCATCATCAATATTGGTAGAAAAAA-3'